The following is an entry in ClinVar:

NM_007194.4(CHEK2):c.1522C>G (p.Leu508Val)

Gene: CHEK2 (checkpoint kinase 2; minus strand). Cytogenetic location: 22q12.1.
Variant type: single nucleotide variant.
Coding change: c.1522C>G on transcript NM_007194.4 (MANE Select); coding-DNA position 1522, C replaced by G.
Protein change: p.Leu508Val; replaces leucine 508 with valine.
Molecular consequence: missense variant.
Genome position (GRCh38, 1-based): chr22:28,689,155, G>C on the plus strand (C>G on the coding strand, the complement: CHEK2 is on the minus strand). VCF-style: chr22-28689155-G-C. GRCh37 (hg19) VCF-style: chr22-29085143-G-C.
Other names: c.1651C>G, p.Leu551Val (NM_001005735.3); c.859C>G, p.Leu287Val (NM_001257387.3); c.1321C>G, p.Leu441Val (NM_001349956.3); c.1435C>G, p.Leu479Val (NM_145862.3); short protein forms L508V, L441V, L479V, L551V, L287V.
Identifiers: ClinVar variation 234170 (VCV000234170.27), dbSNP rs876660898, ClinGen allele CA10577623.

ClinVar aggregate classification (germline): Conflicting classifications of pathogenicity. Review status: criteria provided, conflicting classifications (1 of 4 stars). 7 submissions from 7 submitters: Uncertain significance (6); Likely benign (1). Last evaluated 2025-07-31.

Conditions:
Hereditary cancer-predisposing syndrome. Also called: Neoplastic Syndromes, Hereditary; Tumor predisposition; Hereditary Cancer Syndrome; Hereditary neoplastic syndrome. Identifiers: Orphanet 140162, MedGen C0027672, MeSH D009386, MONDO:0015356.
Familial cancer of breast. Also called: BREAST CANCER, FAMILIAL; hereditary breast carcinoma; Hereditary breast cancer. Identifiers: Orphanet 227535, MedGen C0346153, MONDO:0016419, OMIM 114480. Disease mechanism: loss of function.

Allele frequency attached by ClinVar (database versions not stated): gnomAD 0.00001; gnomAD exomes 0.00001; TOPMed 0.00002.
gnomAD v4.1: 10 of 1,594,884 alleles (0.00063%); highest among the groups gnomAD compares: African/African-American, 0.0013%; no homozygotes.

Submissions (7):

Labcorp Genetics (formerly Invitae), Labcorp
Classification: Uncertain significance for Familial cancer of breast. Last evaluated: 2025-07-31. Review status: criteria provided, single submitter. Criteria: Invitae Variant Classification Sherloc (09022015). Collection method: clinical testing. Allele origin: germline.
Comment: This sequence change replaces leucine, which is neutral and non-polar, with valine, which is neutral and non-polar, at codon 508 of the CHEK2 protein (p.Leu508Val). This variant is present in population databases (no rsID available, gnomAD 0.003%). This variant has not been reported in the literature in individuals affected with CHEK2-related conditions. ClinVar contains an entry for this variant (Variation ID: 234170). An algorithm developed to predict the effect of missense changes on protein structure and function outputs the following: PolyPhen-2: "Benign". The valine amino acid residue is found in multiple mammalian species, which suggests that this missense change does not adversely affect protein function. In summary, the available evidence is currently insufficient to determine the role of this variant in disease. Therefore, it has been classified as a Variant of Uncertain Significance.

Quest Diagnostics Nichols Institute San Juan Capistrano
Classification: Uncertain significance. Last evaluated: 2025-05-28. Review status: criteria provided, single submitter. Criteria: Quest Diagnostics criteria. Collection method: clinical testing. Allele origin: unknown.
Comment: The CHEK2 c.1522C>G (p.Leu508Val) variant has been reported in the published literature in both individuals with breast cancer as well reportedly unaffected individuals (PMIDs: 33471991 (2021), see also LOVD. The frequency of this variant in the general population (Genome Aggregation Database) is uninformative in the assessment of its pathogenicity. Analysis of this variant using bioinformatics tools for the prediction of the effect of amino acid changes on protein structure and function yielded predictions that this variant is benign. Based on the available information, we are unable to determine the clinical significance of this variant.

Center for Genomic Medicine, Rigshospitalet, Copenhagen University Hospital
Classification: Uncertain significance. Last evaluated: 2025-03-04. Review status: criteria provided, single submitter. Criteria: ACMG Guidelines, 2015. Collection method: clinical testing. Allele origin: germline.

GeneDx
Classification: Uncertain significance. Last evaluated: 2024-09-11. Review status: criteria provided, single submitter. Criteria: GeneDx Variant Classification Process June 2021. Collection method: clinical testing. Allele origin: germline. Affected: yes.
Comment: Observed in individuals with breast cancer, unaffected controls, and an unaffected individual with family history of multiple cancers (PMID: 33471991, 38061684); Not observed at significant frequency in large population cohorts (gnomAD); In silico analysis indicates that this missense variant does not alter protein structure/function; This variant is associated with the following publications: (PMID: 33471991, 38061684)

Ambry Genetics
Classification: Likely benign for Hereditary cancer-predisposing syndrome. Last evaluated: 2024-06-13. Review status: criteria provided, single submitter. Criteria: Ambry Variant Classification Scheme 2023. Collection method: clinical testing. Allele origin: germline.

Color Diagnostics, LLC DBA Color Health
Classification: Uncertain significance for Hereditary cancer-predisposing syndrome. Last evaluated: 2022-02-08. Review status: criteria provided, single submitter. Criteria: ACMG Guidelines, 2015. Collection method: clinical testing. Allele origin: germline.
Comment: This missense variant replaces leucine with valine at codon 508 of the CHEK2 protein. Computational prediction suggests that this variant may not impact protein structure and function (internally defined REVEL score threshold <= 0.5, PMID: 27666373). Splice site prediction tools suggest that this variant may not impact RNA splicing. To our knowledge, functional studies have not been performed for this variant. This variant has not been reported in individuals affected with hereditary cancer in the literature. This variant has been identified in 3/233638 chromosomes in the general population by the Genome Aggregation Database (gnomAD). The available evidence is insufficient to determine the role of this variant in disease conclusively. Therefore, this variant is classified as a Variant of Uncertain Significance.

Women's Health and Genetics/Laboratory Corporation of America, LabCorp
Classification: Uncertain significance. Last evaluated: 2019-03-08. Review status: criteria provided, single submitter. Criteria: LabCorp Variant Classification Summary - May 2015. Collection method: clinical testing. Allele origin: germline.
Comment: Variant summary: CHEK2 c.1522C>G (p.Leu508Val) results in a conservative amino acid change in the encoded protein sequence. Five of five in-silico tools predict a benign effect of the variant on protein function. The variant allele was found at a frequency of 1.3e-05 in 229086 control chromosomes (gnomAD). The available data on variant occurrences in the general population are insufficient to allow any conclusion about variant significance. To our knowledge, no occurrence of c.1522C>G in individuals affected with Hereditary Breast and Ovarian Cancer and no experimental evidence demonstrating its impact on protein function have been reported. Three ClinVar submissions from clinical diagnostic laboratories (evaluation after 2014) cite the variant as uncertain significance. Based on the evidence outlined above, the variant was classified as uncertain significance.

Literature cited by the submitters: PubMed 33471991 (cited by Quest Diagnostics Nichols Institute San Juan Capistrano); PubMed 38061684 (cited by Center for Genomic Medicine, Rigshospitalet, Copenhagen University Hospital).